The following is an entry in ClinVar:

ClinVar aggregate classification (germline): Uncertain significance. Review status: criteria provided, multiple submitters, no conflicts (2 of 4 stars). 2 submissions from 2 submitters: Uncertain significance (2). Last evaluated 2023-04-15.

Conditions:
Fanconi anemia complementation group O. Also called: RAD51C-Related Fanconi Anemia. Identifiers: Orphanet 84, MedGen C3150653, MONDO:0013248, OMIM 613390.
Hereditary cancer-predisposing syndrome. Also called: Hereditary neoplastic syndrome; Neoplastic Syndromes, Hereditary; Tumor predisposition; Hereditary Cancer Syndrome. Identifiers: Orphanet 140162, MedGen C0027672, MeSH D009386, MONDO:0015356.

Submissions (2):

Labcorp Genetics (formerly Invitae), Labcorp
Classification: Uncertain significance for Fanconi anemia complementation group O. Last evaluated: 2023-04-15. Review status: criteria provided, single submitter. Criteria: Invitae Variant Classification Sherloc (09022015). Collection method: clinical testing. Allele origin: germline.
Comment: In summary, the available evidence is currently insufficient to determine the role of this variant in disease. Therefore, it has been classified as a Variant of Uncertain Significance. Advanced modeling of protein sequence and biophysical properties (such as structural, functional, and spatial information, amino acid conservation, physicochemical variation, residue mobility, and thermodynamic stability) performed at Invitae indicates that this missense variant is expected to disrupt RAD51C protein function. ClinVar contains an entry for this variant (Variation ID: 484746). This variant has not been reported in the literature in individuals affected with RAD51C-related conditions. This variant is not present in population databases (gnomAD no frequency). This sequence change replaces phenylalanine, which is neutral and non-polar, with valine, which is neutral and non-polar, at codon 164 of the RAD51C protein (p.Phe164Val).

Ambry Genetics
Classification: Uncertain significance for Hereditary cancer-predisposing syndrome. Last evaluated: 2017-01-06. Review status: criteria provided, single submitter. Criteria: Ambry Variant Classification Scheme 2023. Collection method: clinical testing. Allele origin: germline.
Comment: The p.F164V variant (also known as c.490T>G), located in coding exon 3 of the RAD51C gene, results from a T to G substitution at nucleotide position 490. The phenylalanine at codon 164 is replaced by valine, an amino acid with highly similar properties. This amino acid position is highly conserved in available vertebrate species. In addition, this alteration is predicted to be deleterious by in silico analysis. Since supporting evidence is limited at this time, the clinical significance of this alteration remains unclear.

NM_058216.3(RAD51C):c.490T>G (p.Phe164Val)

Gene: RAD51C (RAD51 paralog C; plus strand). Cytogenetic location: 17q22.
Variant type: single nucleotide variant.
Coding change: c.490T>G on transcript NM_058216.3 (MANE Select); coding-DNA position 490, T replaced by G.
Protein change: p.Phe164Val; replaces phenylalanine 164 with valine.
Molecular consequence: missense variant.
Genome position (GRCh38, 1-based): chr17:58,696,778, T>G. VCF-style: chr17-58696778-T-G. GRCh37 (hg19) VCF-style: chr17-56774139-T-G.
Other names: c.490T>G (LRG_314t1); short protein forms F164V.
Identifiers: ClinVar variation 484746 (VCV000484746.8), dbSNP rs1555594754, ClinGen allele CA400344822.